The following is an entry in ClinVar:

ClinVar aggregate classification (germline): Likely benign. Review status: criteria provided, multiple submitters, no conflicts (2 of 4 stars). 4 submissions from 4 submitters: Likely benign (3). 1 of the submissions does not count toward it. Last evaluated 2026-05-01.

Conditions:
KIAA0753-related disorder.

Allele frequency attached by ClinVar (database versions not stated): TOPMed 0.00016; ESP Exome Variant Server 0.00017; gnomAD exomes 0.00017 and 0.00018; ExAC 0.00022; gnomAD 0.00022 and 0.00023; 1000 Genomes Project 30x 0.00078; 1000 Genomes Project 0.00080.
gnomAD v4.1: 295 of 1,613,990 alleles (0.018%); highest among the groups gnomAD compares: Admixed American, 0.03%; no homozygotes.

Submissions (4):

CeGaT Center for Human Genetics Tuebingen
Classification: Likely benign. Last evaluated: 2026-05-01. Review status: criteria provided, single submitter. Criteria: CeGaT Center For Human Genetics Tuebingen Variant Classification Criteria Version 2. Collection method: clinical testing. Allele origin: germline. Affected: yes. Observed: 1 variant allele.
Comment: KIAA0753: BP4, BP7

Labcorp Genetics (formerly Invitae), Labcorp
Classification: Likely benign. Last evaluated: 2025-12-14. Review status: criteria provided, single submitter. Criteria: Invitae Variant Classification Sherloc (09022015). Collection method: clinical testing. Allele origin: germline.

Blueprint Genetics
Classification: Likely benign. Last evaluated: 2024-10-14. Review status: criteria provided, single submitter. Criteria: ACMG Guidelines, 2015. Collection method: clinical testing. Allele origin: germline.

PreventionGenetics, part of Exact Sciences
Classification: Likely benign for KIAA0753-related condition. Last evaluated: 2019-03-22. Review status: no assertion criteria provided. Collection method: clinical testing. Allele origin: germline. Not counted in ClinVar's aggregate classification.
Comment: This variant is classified as likely benign based on ACMG/AMP sequence variant interpretation guidelines (Richards et al. 2015 PMID: 25741868, with internal and published modifications).

NM_014804.3(KIAA0753):c.2676A>C (p.Pro892=)

Gene: KIAA0753 (KIAA0753; minus strand). Cytogenetic location: 17p13.1.
Variant type: single nucleotide variant.
Coding change: c.2676A>C on transcript NM_014804.3 (MANE Select); coding-DNA position 2676, A replaced by C.
Protein change: p.Pro892=; no amino-acid change (proline 892 retained).
Molecular consequence: synonymous variant. On other transcripts: non-coding transcript variant (3).
Genome position (GRCh38, 1-based): chr17:6,589,889, T>G on the plus strand (A>C on the coding strand, the complement: KIAA0753 is on the minus strand). VCF-style: chr17-6589889-T-G. GRCh37 (hg19) VCF-style: chr17-6493209-T-G.
Other names: c.1779A>C, p.Pro593= (NM_001351225.2).
Identifiers: ClinVar variation 750031 (VCV000750031.15), dbSNP rs201893596, ClinGen allele CA8330078.